The following is an entry in ClinVar:

ClinVar aggregate classification (germline): Pathogenic. Review status: criteria provided, single submitter (1 of 4 stars). 4 submissions from 3 submitters: Pathogenic (1). 3 of the submissions do not count toward it. Last evaluated 2026-05-28.

Conditions:
Mitochondrial disease. Also called: Mitochondrial disorder; Mitochondrial disorders. Identifiers: Orphanet 68380, MedGen C0751651, MeSH D028361, MONDO:0044970.
Kearns-Sayre syndrome. Also called: Kearns-Sayre Syndrome (KSS); CHRONIC PROGRESSIVE EXTERNAL OPHTHALMOPLEGIA WITH MYOPATHY; CPEO WITH MYOPATHY; Chronic progressive external ophthalmoplegia with myopathy, somatic; OCULOCRANIOSOMATIC SYNDROME; OPHTHALMOPLEGIA, PIGMENTARY DEGENERATION OF RETINA, AND CARDIOMYOPATHY. Identifiers: Orphanet 480, MedGen C0022541, MONDO:0010787, OMIM 530000.

Submissions (4):

Undiagnosed Diseases Network, NIH
Classification: Pathogenic for Mitochondrial disease. Last evaluated: 2026-05-28. Review status: criteria provided, single submitter. Criteria: ACMG Guidelines, 2015. Collection method: clinical testing. Allele origin: maternal. Inheritance: Mitochondrial inheritance. Affected: yes. Observed: 1 variant allele, 1 heterozygote. Study: Undiagnosed Diseases Network, UDN.

Mitochondrial Research Group, Newcastle University
Classification: Pathogenic for Mitochondrial disease. Last evaluated: 2017-05-22. Review status: no assertion criteria provided. Collection method: clinical testing. Allele origin: germline. Affected: yes. Observed: 2 variant alleles. Not counted in ClinVar's aggregate classification.

GeneReviews
No classification provided. Condition: Kearns-Sayre syndrome. Review status: no classification provided. Collection method: literature only. Allele origin: germline. Not counted in ClinVar's aggregate classification.

Mitochondrial Research Group, Newcastle University
Classification: Pathogenic for Mitochondrial disease. Last evaluated: 2017-05-22. Review status: flagged submission. Collection method: clinical testing. Allele origin: germline. Affected: yes. Observed: 1 variant allele. Not counted in ClinVar's aggregate classification.
ClinVar note: Reason: This record appears to be redundant with a more recent record from the same submitter.
ClinVar note: Notes: SCV000577880 appears to be redundant with SCV000577881.

Literature cited by the submitters: NCBI Bookshelf NBK1203 (cited by GeneReviews); PubMed 20301382 (cited by GeneReviews).

NC_012920.1(MT-TS2):m.8483_13459del

Genes: MT-TR (mitochondrially encoded tRNA arginine; plus strand), MT-TS2 (mitochondrially encoded tRNA serine 2 (AGU/C); plus strand), MT-ND3 (mitochondrially encoded NADH dehydrogenase 3; plus strand), MT-ND4 (mitochondrially encoded NADH dehydrogenase 4; plus strand), MT-ND4L (mitochondrially encoded NADH dehydrogenase 4L; plus strand) and 7 more.
Variant type: Deletion.
Identifiers: ClinVar variation 430680 (VCV000430680.5), ClinGen allele CA645373336.